The following is an entry in ClinVar:

ClinVar aggregate classification (germline): Pathogenic. Review status: criteria provided, multiple submitters, no conflicts (2 of 4 stars). 3 submissions from 3 submitters: Pathogenic (3). Last evaluated 2024-01-16.

Conditions:
Hereditary cancer-predisposing syndrome. Also called: Neoplastic Syndromes, Hereditary; Hereditary neoplastic syndrome; Tumor predisposition; Hereditary Cancer Syndrome. Identifiers: Orphanet 140162, MedGen C0027672, MeSH D009386, MONDO:0015356.
Ataxia-telangiectasia syndrome (AT). Also called: Cerebello-oculocutaneous telangiectasia; Immunodeficiency with ataxia telangiectasia; ATAXIA-TELANGIECTASIA, FRESNO VARIANT; Ataxia-telangiectasia, complementation group D; Ataxia telangiectasia (A-T); LOUIS-BAR SYNDROME. Identifiers: Orphanet 100, MedGen C0004135, MONDO:0008840, OMIM 208900.
Familial cancer of breast. Also called: BREAST CANCER, FAMILIAL; hereditary breast carcinoma; Hereditary breast cancer. Identifiers: Orphanet 227535, MedGen C0346153, MONDO:0016419, OMIM 114480. Disease mechanism: loss of function.

Submissions (3):

Myriad Genetics, Inc.
Classification: Pathogenic for Familial cancer of breast. Last evaluated: 2024-01-16. Review status: criteria provided, single submitter. Criteria: Myriad Autosomal Dominant, Autosomal Recessive and X-Linked Classification Criteria (2023). Collection method: clinical testing. Allele origin: unknown.
Comment: This variant is considered pathogenic. This variant creates a termination codon and is predicted to result in premature protein truncation.

Ambry Genetics
Classification: Pathogenic for Hereditary cancer-predisposing syndrome. Last evaluated: 2022-05-06. Review status: criteria provided, single submitter. Criteria: Ambry Variant Classification Scheme 2023. Collection method: clinical testing. Allele origin: germline.
Comment: The c.1625delT pathogenic mutation, located in coding exon 10 of the ATM gene, results from a deletion of one nucleotide at nucleotide position 1625, causing a translational frameshift with a predicted alternate stop codon (p.L542*). This variant is considered to be rare based on population cohorts in the Genome Aggregation Database (gnomAD). This alteration is expected to result in loss of function by premature protein truncation or nonsense-mediated mRNA decay. As such, this alteration is interpreted as a disease-causing mutation.

Labcorp Genetics (formerly Invitae), Labcorp
Classification: Pathogenic for Ataxia-telangiectasia syndrome. Last evaluated: 2021-05-18. Review status: criteria provided, single submitter. Criteria: Invitae Variant Classification Sherloc (09022015). Collection method: clinical testing. Allele origin: germline.
Comment: This sequence change creates a premature translational stop signal (p.Leu542*) in the ATM gene. It is expected to result in an absent or disrupted protein product. Loss-of-function variants in ATM are known to be pathogenic (PMID: 23807571, 25614872). This variant is not present in population databases (ExAC no frequency). For these reasons, this variant has been classified as Pathogenic. This variant has not been reported in the literature in individuals with ATM-related conditions. ClinVar contains an entry for this variant (Variation ID: 1076406).

Literature cited by the submitters: PubMed 23807571 (cited by Labcorp Genetics (formerly Invitae), Labcorp); PubMed 25614872 (cited by Labcorp Genetics (formerly Invitae), Labcorp).

NM_000051.4(ATM):c.1625del (p.Cys541_Leu542insTer)

Gene: ATM (ATM serine/threonine kinase; plus strand). Cytogenetic location: 11q22.3.
Variant type: Deletion.
Coding change: c.1625del on transcript NM_000051.4 (MANE Select); coding-DNA position 1625, one base deleted (T; older notation c.1625delT).
Protein change: p.Cys541_Leu542insTer.
Molecular consequence: nonsense.
Genome position (GRCh38, 1-based): chr11:108,251,854, T deleted; the last of 3 consecutive T bases (chr11:108,251,852-108,251,854); deleting any one gives the same sequence. VCF-style (leftmost placement, unchanged base first): chr11-108251851-GT-G. GRCh37 (hg19) VCF-style: chr11-108122578-GT-G.
Other names: c.1625del, p.Cys541_Leu542insTer (NM_001351834.2).
Identifiers: ClinVar variation 1076406 (VCV001076406.9), dbSNP rs2080164484, ClinGen allele CA942013658.